The following is an entry in ClinVar:

NM_172107.4(KCNQ2):c.1200A>G (p.Lys400=)

Gene: KCNQ2 (potassium voltage-gated channel subfamily Q member 2; minus strand). Cytogenetic location: 20q13.33.
Variant type: single nucleotide variant.
Coding change: c.1200A>G on transcript NM_172107.4 (MANE Select); coding-DNA position 1200, A replaced by G.
Protein change: p.Lys400=; no amino-acid change (lysine 400 retained).
Molecular consequence: synonymous variant.
Genome position (GRCh38, 1-based): chr20:63,428,384, T>C on the plus strand (A>G on the coding strand, the complement: KCNQ2 is on the minus strand). VCF-style: chr20-63428384-T-C. GRCh37 (hg19) VCF-style: chr20-62059737-T-C.
Other names: c.1200A>G, p.Lys400= (NM_001382235.1, NM_172106.3, NM_172108.5); c.1170A>G, p.Lys390= (NM_004518.6).
Identifiers: ClinVar variation 2010978 (VCV002010978.4), dbSNP rs2516309858, ClinGen allele CA511204487.

ClinVar aggregate classification (germline): Uncertain significance (1 of 4 stars; one submission).

Conditions:
Early-infantile DEE. Also called: Early infantile epileptic encephalopathy; Ohtahara syndrome; Early infantile epileptic encephalopathy with suppression bursts. Identifiers: Orphanet 1934, MedGen C0393706, MONDO:0800491.

Submission:

Labcorp Genetics (formerly Invitae), Labcorp
Classification: Uncertain significance for Early-infantile DEE. Last evaluated: 2022-06-26. Review status: criteria provided, single submitter. Criteria: Invitae Variant Classification Sherloc (09022015). Collection method: clinical testing. Allele origin: germline.
Comment: In summary, the available evidence is currently insufficient to determine the role of this variant in disease. Therefore, it has been classified as a Variant of Uncertain Significance. Algorithms developed to predict the effect of sequence changes on RNA splicing suggest that this variant may disrupt the consensus splice site. This variant has not been reported in the literature in individuals affected with KCNQ2-related conditions. This variant is not present in population databases (gnomAD no frequency). This sequence change affects codon 400 of the KCNQ2 mRNA. It is a 'silent' change, meaning that it does not change the encoded amino acid sequence of the KCNQ2 protein.